The following is an entry in ClinVar:

ClinVar aggregate classification (germline): Uncertain significance. Review status: reviewed by expert panel (3 of 4 stars). 2 submissions from 2 submitters: Uncertain significance (1). 1 of the submissions does not count toward it. Last evaluated 2025-01-15.

Conditions:
Hereditary thrombocytopenia and hematologic cancer predisposition syndrome. Identifiers: Orphanet 71290, MedGen CN281654, MONDO:0011071.
Hereditary thrombocytopenia and hematological cancer predisposition syndrome associated with RUNX1. Also called: Familial Platelet Disorder with Propensity to Acute Myelogenous Leukemia; Familial thrombocytopenia with propensity to acute myelogenous leukemia; PLATELET DISORDER, ASPIRIN-LIKE; RUNX1 Familial Platelet Disorder with Associated Myeloid Malignancies. Identifiers: Orphanet 71290, MedGen C1832388, MeSH C563324, MONDO:0100083, OMIM 601399.

Submissions (2):

ClinGen Myeloid Malignancy Variant Curation Expert Panel
Classification: Uncertain significance for Hereditary thrombocytopenia and hematologic cancer predisposition syndrome. Last evaluated: 2025-01-15. Review status: reviewed by expert panel. Criteria: ClinGen MyeloMalig ACMG Specifications v2. Collection method: curation. Allele origin: germline. Inheritance: Autosomal dominant inheritance.
Comment: NM_001754.5(RUNX1):c.197C>A (p.Ala66Asp) is a missense variant which is completely absent from all population databases with at least 20x coverage for RUNX1 (PM2_Supporting). In summary, the clinical significance of this variant is uncertain. ACMG/AMP criteria applied, as specified by the Myeloid Malignancy Variant Curation Expert Panel for RUNX1: PM2_Supporting.

Labcorp Genetics (formerly Invitae), Labcorp
Classification: Uncertain significance for Hereditary thrombocytopenia and hematological cancer predisposition syndrome associated with RUNX1. Last evaluated: 2021-12-31. Review status: criteria provided, single submitter. Criteria: Invitae Variant Classification Sherloc (09022015). Collection method: clinical testing. Allele origin: germline. Not counted in ClinVar's aggregate classification.
Comment: This variant is not present in population databases (gnomAD no frequency). This sequence change replaces alanine, which is neutral and non-polar, with aspartic acid, which is acidic and polar, at codon 66 of the RUNX1 protein (p.Ala66Asp). In summary, the available evidence is currently insufficient to determine the role of this variant in disease. Therefore, it has been classified as a Variant of Uncertain Significance. Algorithms developed to predict the effect of missense changes on protein structure and function are either unavailable or do not agree on the potential impact of this missense change (SIFT: "Deleterious"; PolyPhen-2: "Possibly Damaging"; Align-GVGD: "Class C0"). This variant has not been reported in the literature in individuals affected with RUNX1-related conditions.

NM_001754.5(RUNX1):c.197C>A (p.Ala66Asp)

Gene: RUNX1 (RUNX family transcription factor 1; minus strand). Cytogenetic location: 21q22.12.
Variant type: single nucleotide variant.
Coding change: c.197C>A on transcript NM_001754.5 (MANE Select); coding-DNA position 197, C replaced by A.
Protein change: p.Ala66Asp; replaces alanine 66 with aspartic acid.
Molecular consequence: missense variant.
Genome position (GRCh38, 1-based): chr21:34,886,997, G>T on the plus strand (C>A on the coding strand, the complement: RUNX1 is on the minus strand). VCF-style: chr21-34886997-G-T. GRCh37 (hg19) VCF-style: chr21-36259294-G-T.
Other names: NM_001754.5(RUNX1):c.197C>A; p.Ala66Asp; c.116C>A, p.Ala39Asp (NM_001001890.3, NM_001122607.2); short protein forms A66D, A39D.
Identifiers: ClinVar variation 2067605 (VCV002067605.5), dbSNP rs2146412392, ClinGen allele CA410203938.